The following is an entry in ClinVar:

ClinVar aggregate classification (germline): Likely pathogenic (1 of 4 stars; one submission).

Conditions:
Inborn genetic diseases. Identifiers: MedGen C0950123, MeSH D030342.

Submission:

Ambry Genetics
Classification: Likely pathogenic for Inborn genetic diseases. Last evaluated: 2021-10-15. Review status: criteria provided, single submitter. Criteria: Ambry Variant Classification Scheme 2023. Collection method: clinical testing. Allele origin: germline.
Comment: The c.538C>T (p.P180S) alteration is located in exon 8 (coding exon 7) of the CDKL5 gene. This alteration results from a C to T substitution at nucleotide position 538, causing the proline (P) at amino acid position 180 to be replaced by a serine (S). This variant was not reported in population-based cohorts in the Genome Aggregation Database (gnomAD). This amino acid position is highly conserved in available vertebrate species. This alteration is located in the protein kinase domain of CDKL5. Based on internal structural analysis, this alteration decreases the structural stability (Ambry internal data). This alteration is predicted to be deleterious by in silico analysis. Based on the available evidence, this alteration is classified as likely pathogenic.

Literature cited by the submitters: PubMed 16611748.

NM_001323289.2(CDKL5):c.538C>T (p.Pro180Ser)

Gene: CDKL5 (cyclin dependent kinase like 5; plus strand). Cytogenetic location: Xp22.13.
Variant type: single nucleotide variant.
Coding change: c.538C>T on transcript NM_001323289.2 (MANE Select); coding-DNA position 538, C replaced by T.
Protein change: p.Pro180Ser; replaces proline 180 with serine.
Molecular consequence: missense variant.
Genome position (GRCh38, 1-based): chrX:18,584,337, C>T. VCF-style: chrX-18584337-C-T. GRCh37 (hg19) VCF-style: chrX-18602457-C-T.
Other names: c.538C>T, p.Pro180Ser (NM_001037343.2, NM_003159.3); short protein forms P180S.
Identifiers: ClinVar variation 1747213 (VCV001747213.2), dbSNP rs2518853590, ClinGen allele CA412352510.